The following is an entry in ClinVar:

ClinVar aggregate classification (germline): Pathogenic (1 of 4 stars; one submission).

Conditions:
Inborn genetic diseases. Identifiers: MedGen C0950123, MeSH D030342.

Submission:

Ambry Genetics
Classification: Pathogenic for Inborn genetic diseases. Last evaluated: 2023-11-17. Review status: criteria provided, single submitter. Criteria: Ambry Variant Classification Scheme 2023. Collection method: clinical testing. Allele origin: germline.
Comment: The c.464+1G>A intronic alteration results from a G to A substitution one nucleotide after coding exon 7 of the DLG4 gene. Alterations that disrupt the canonical splice site are expected to cause aberrant splicing, resulting in an abnormal protein or a transcript that is subject to nonsense-mediated mRNA decay. This variant was not reported in population-based cohorts in the Genome Aggregation Database (gnomAD). This nucleotide position is highly conserved in available vertebrate species. In silico splice site analysis predicts that this alteration will weaken the native splice donor site and may result in the creation or strengthening of a novel splice donor site. Based on the available evidence, this alteration is classified as pathogenic.

NM_001321075.3(DLG4):c.335+1G>A

Gene: DLG4 (discs large MAGUK scaffold protein 4; minus strand). Cytogenetic location: 17p13.1.
Variant type: single nucleotide variant.
Coding change: c.335+1G>A on transcript NM_001321075.3 (MANE Select); the canonical splice donor site of the intron after coding-DNA position 335, G replaced by A.
Molecular consequence: splice donor variant.
Genome position (GRCh38, 1-based): chr17:7,203,691, C>T on the plus strand (G>A on the coding strand, the complement: DLG4 is on the minus strand). VCF-style: chr17-7203691-C-T. GRCh37 (hg19) VCF-style: chr17-7107010-C-T.
Other names: c.464+1G>A (NM_001365.5); c.326+1G>A (NM_001128827.4); c.254+1G>A (NM_001369566.3); c.155+1G>A (NM_001321077.3, NM_001321076.3); c.455+1G>A (NM_001321074.1).
Identifiers: ClinVar variation 3082789 (VCV003082789.1), dbSNP rs2508028388, ClinGen allele CA397719835.